The following is an entry in ClinVar:

NM_007194.4(CHEK2):c.225T>G (p.Pro75=)

Gene: CHEK2 (checkpoint kinase 2; minus strand). Cytogenetic location: 22q12.1.
Variant type: single nucleotide variant.
Coding change: c.225T>G on transcript NM_007194.4 (MANE Select); coding-DNA position 225, T replaced by G.
Protein change: p.Pro75=; no amino-acid change (proline 75 retained).
Molecular consequence: synonymous variant.
Genome position (GRCh38, 1-based): chr22:28,734,497, A>C on the plus strand (T>G on the coding strand, the complement: CHEK2 is on the minus strand). VCF-style: chr22-28734497-A-C. GRCh37 (hg19) VCF-style: chr22-29130485-A-C.
Other names: c.225T>G, p.Pro75= (NM_001005735.3, NM_001349956.3, NM_145862.3); c.-553T>G (NM_001257387.3).
Identifiers: ClinVar variation 434764 (VCV000434764.19), dbSNP rs1217608176, ClinGen allele CA513946463.

ClinVar aggregate classification (germline): Benign/Likely benign. Review status: criteria provided, multiple submitters, no conflicts (2 of 4 stars). 5 submissions from 5 submitters: Benign (1); Likely benign (4). Last evaluated 2024-10-01.

Conditions:
Hereditary cancer-predisposing syndrome. Also called: Hereditary Cancer Syndrome; Hereditary neoplastic syndrome; Neoplastic Syndromes, Hereditary; Tumor predisposition. Identifiers: Orphanet 140162, MedGen C0027672, MeSH D009386, MONDO:0015356.
Familial cancer of breast. Also called: hereditary breast carcinoma; Hereditary breast cancer; BREAST CANCER, FAMILIAL. Identifiers: Orphanet 227535, MedGen C0346153, MONDO:0016419, OMIM 114480. Disease mechanism: loss of function.

Allele frequency attached by ClinVar (database versions not stated): TOPMed below 0.00001; gnomAD 0.00001; gnomAD exomes 0.00001.
gnomAD v4.1: 15 of 1,613,984 alleles (0.00093%); highest among the groups gnomAD compares: Non-Finnish European, 0.0013%; no homozygotes.

Submissions (5):

Myriad Genetics, Inc.
Classification: Benign for Familial cancer of breast. Last evaluated: 2024-10-01. Review status: criteria provided, single submitter. Criteria: Myriad Autosomal Dominant, Autosomal Recessive and X-Linked Classification Criteria (2023). Collection method: clinical testing. Allele origin: unknown.
Comment: This variant is considered benign. This variant is a silent/synonymous amino acid change and it is not expected to impact splicing.

Labcorp Genetics (formerly Invitae), Labcorp
Classification: Likely benign for Familial cancer of breast. Last evaluated: 2024-04-29. Review status: criteria provided, single submitter. Criteria: Invitae Variant Classification Sherloc (09022015). Collection method: clinical testing. Allele origin: germline.

Color Diagnostics, LLC DBA Color Health
Classification: Likely benign for Hereditary cancer-predisposing syndrome. Last evaluated: 2018-08-07. Review status: criteria provided, single submitter. Criteria: ACMG Guidelines, 2015. Collection method: clinical testing. Allele origin: germline.

Ambry Genetics
Classification: Likely benign for Hereditary cancer-predisposing syndrome. Last evaluated: 2017-10-12. Review status: criteria provided, single submitter. Criteria: Ambry Variant Classification Scheme 2023. Collection method: clinical testing. Allele origin: germline.

Genetic Services Laboratory, University of Chicago
Classification: Likely benign. Last evaluated: 2016-12-08. Review status: criteria provided, single submitter. Criteria: ACMG Guidelines, 2015. Collection method: clinical testing. Allele origin: germline. Affected: no.